The following is an entry in ClinVar:

NM_013251.4(TAC3):c.292+162A>G

Gene: TAC3 (tachykinin precursor 3; minus strand). Cytogenetic location: 12q13.3.
Variant type: single nucleotide variant.
Coding change: c.292+162A>G on transcript NM_013251.4 (MANE Select); 162 bases into the intron after coding-DNA position 292, A replaced by G.
Molecular consequence: intron variant. On other transcripts: non-coding transcript variant (2).
Genome position (GRCh38, 1-based): chr12:57,012,660, T>C on the plus strand (A>G on the coding strand, the complement: TAC3 is on the minus strand). VCF-style: chr12-57012660-T-C. GRCh37 (hg19) VCF-style: chr12-57406444-T-C.
Other names: c.239-208A>G (NM_001178054.2).
Identifiers: ClinVar variation 675709 (VCV000675709.2), dbSNP rs733629, ClinGen allele CA6639359.
Genomic context (GRCh38, chr12:57,012,660, plus strand): 5'-TCCCAGCTGCAACAGGACTACCTTATAAAGGTCTCTGCTCCTCTGTTCCCAGGGAAGACT[T>C]TCCTGTGGATCCAAGCTGATTGGGATGAAGGGGCCGAGGAACCCTCACTGAAGGTAAGAA-3'

ClinVar aggregate classification (germline): Benign. Review status: criteria provided, multiple submitters, no conflicts (2 of 4 stars). 2 submissions from 2 submitters: Benign (2). Last evaluated 2018-06-19.

Allele frequency attached by ClinVar (database versions not stated): gnomAD exomes 0.08523 and 0.09561; ESP Exome Variant Server 0.08604; gnomAD 0.08885 and 0.09088; TOPMed 0.08997; ExAC 0.09493; 1000 Genomes Project 30x 0.11946; 1000 Genomes Project 0.12141.
gnomAD v4.1: 138,304 of 1,612,812 alleles (8.6%); highest among the groups gnomAD compares: East Asian, 14%; 6,257 homozygotes.

Submissions (2):

GeneDx
Classification: Benign. Last evaluated: 2018-06-19. Review status: criteria provided, single submitter. Criteria: GeneDx Variant Classification (06012015). Collection method: clinical testing. Allele origin: germline. Affected: yes.
Comment: This variant is considered likely benign or benign based on one or more of the following criteria: it is a conservative change, it occurs at a poorly conserved position in the protein, it is predicted to be benign by multiple in silico algorithms, and/or has population frequency not consistent with disease.

Breakthrough Genomics
Classification: Benign. Review status: criteria provided, single submitter. Criteria: ACMG Guidelines, 2015. Collection method: not provided. Allele origin: germline. Inheritance: Autosomal recessive inheritance. Affected: yes.